The following is an entry in ClinVar:

NC_000001.11:g.154628057A>G

Variant type: single nucleotide variant.
Genome position: GRCh38 VCF-style: chr1-154628057-A-G. GRCh37 (hg19) VCF-style: chr1-154600533-A-G.
Identifiers: ClinVar variation 2637881 (VCV002637881.2), dbSNP rs28411375, ClinGen allele CA10687628.

ClinVar aggregate classification (germline): Benign (1 of 4 stars; one submission).

Submission:

Unidad de Genómica Garrahan, Hospital de Pediatría Garrahan
Classification: Benign. Last evaluated: 2023-11-14. Review status: criteria provided, single submitter. Criteria: ACMG Guidelines, 2015. Collection method: clinical testing. Allele origin: germline. Affected: no. Observed: 32 variant alleles.
Comment: This variant is classified as Benign based on local population frequency. This variant was detected in 33% of patients studied by a panel of primary immunodeficiencies. Number of patients: 32. Only high quality variants are reported.